The following is an entry in ClinVar:

NC_000008.10:g.(?_10285638)_(10480711_?)del

Genes: MSRA (methionine sulfoxide reductase A), PRSS51 (serine protease 51), PRSS55 (serine protease 55), RP1L1 (RP1 like 1). Cytogenetic location: 8p23.1.
Variant type: Deletion.
Identifiers: ClinVar variation 3245616 (VCV003245616.1).

ClinVar aggregate classification (germline): Uncertain significance (1 of 4 stars; one submission).

Submission:

Labcorp Genetics (formerly Invitae), Labcorp
Classification: Uncertain significance. Last evaluated: 2023-12-30. Review status: criteria provided, single submitter. Criteria: Invitae Variant Classification Sherloc (09022015). Collection method: clinical testing. Allele origin: unknown.
Comment: A gross deletion of the genomic region encompassing the full coding sequence of the RP1L1 gene has been identified. The current clinical and genetic evidence is not sufficient to establish whether loss-of-function variants in RP1L1 cause disease. The boundaries of this event are unknown as they extend beyond the assayed region for this gene and therefore may encompass additional genes. This variant has not been reported in the literature in individuals affected with RP1L1-related conditions. In summary, the available evidence is currently insufficient to determine the role of this variant in disease. Therefore, it has been classified as a Variant of Uncertain Significance.